The following is an entry in ClinVar:

NM_017654.4(SAMD9):c.4010T>G (p.Val1337Gly)

Gene: SAMD9 (sterile alpha motif domain containing 9; minus strand). Cytogenetic location: 7q21.2.
Variant type: single nucleotide variant.
Coding change: c.4010T>G on transcript NM_017654.4 (MANE Select); coding-DNA position 4010, T replaced by G.
Protein change: p.Val1337Gly; replaces valine 1337 with glycine.
Molecular consequence: missense variant.
Genome position (GRCh38, 1-based): chr7:93,102,088, A>C on the plus strand (T>G on the coding strand, the complement: SAMD9 is on the minus strand). VCF-style: chr7-93102088-A-C. GRCh37 (hg19) VCF-style: chr7-92731401-A-C.
Other names: c.4010T>G, p.Val1337Gly (NM_001193307.2); short protein forms V1337G.
Identifiers: ClinVar variation 3437124 (VCV003437124.2).
Genomic context (GRCh38, chr7:93,102,088, plus strand): 5'-TCCTCTTGACTTTTGATAAGATATTCCAAGAGCCCAGAAAACTTGTCTGCTTTTAAAGCT[A>C]CTAGGTTTCTCCTGCATCTCTCTACTTGAAGTGGCTCACTGAACTTTGATCCAAGACCTG-3'
Protein context (NP_060124.2, residues 1327-1347): LQVERCRRNL[Val1337Gly]ALKADKFSGL

ClinVar aggregate classification (germline): Uncertain significance (1 of 4 stars; one submission).

Conditions:
Inborn genetic diseases. Identifiers: MedGen C0950123, MeSH D030342.

gnomAD v4.1: 1 of 1,613,190 alleles (0.000062%); highest among the groups gnomAD compares: East Asian, 0.0022%; no homozygotes.

Submission:

Ambry Genetics
Classification: Uncertain significance for Inborn genetic diseases. Last evaluated: 2025-10-08. Review status: criteria provided, single submitter. Criteria: Ambry Variant Classification Scheme 2023. Collection method: clinical testing. Allele origin: germline.
Comment: The p.V1337G variant (also known as c.4010T>G), located in coding exon 1 of the SAMD9 gene, results from a T to G substitution at nucleotide position 4010. The valine at codon 1337 is replaced by glycine, an amino acid with dissimilar properties. This amino acid position is conserved. In addition, this alteration is predicted to be tolerated by in silico analysis. Based on the available evidence, the clinical significance of this variant remains unclear.